The following is an entry in ClinVar:

NM_007215.4(POLG2):c.373G>A (p.Val125Ile)

Genes: MILR1 (mast cell immunoglobulin like receptor 1; plus strand), POLG2 (DNA polymerase gamma 2, accessory subunit; minus strand). Cytogenetic location: 17q23.3.
Variant type: single nucleotide variant.
Coding change: c.373G>A on transcript NM_007215.4 (MANE Select); coding-DNA position 373, G replaced by A.
Protein change: p.Val125Ile; replaces valine 125 with isoleucine.
Molecular consequence: missense variant.
Genome position (GRCh38, 1-based): chr17:64,496,596, C>T on the plus strand (G>A on the coding strand, the complement: POLG2 is on the minus strand). VCF-style: chr17-64496596-C-T. GRCh37 (hg19) VCF-style: chr17-62492714-C-T.
Other names: short protein forms V125I.
Identifiers: ClinVar variation 2872559 (VCV002872559.3), dbSNP rs782546845, ClinGen allele CA8713038.

ClinVar aggregate classification (germline): Uncertain significance (1 of 4 stars; one submission).

Allele frequency attached by ClinVar (database versions not stated): gnomAD 0.00001; ExAC 0.00002.
gnomAD v4.1: 5 of 1,613,594 alleles (0.00031%); highest among the groups gnomAD compares: African/African-American, 0.0027%; no homozygotes.

Submission:

Labcorp Genetics (formerly Invitae), Labcorp
Classification: Uncertain significance. Last evaluated: 2022-11-10. Review status: criteria provided, single submitter. Criteria: Invitae Variant Classification Sherloc (09022015). Collection method: clinical testing. Allele origin: germline.
Comment: This sequence change replaces valine, which is neutral and non-polar, with isoleucine, which is neutral and non-polar, at codon 125 of the POLG2 protein (p.Val125Ile). This variant is present in population databases (rs782546845, gnomAD 0.007%). This variant has not been reported in the literature in individuals affected with POLG2-related conditions. Algorithms developed to predict the effect of missense changes on protein structure and function output the following: SIFT: "Tolerated"; PolyPhen-2: "Benign"; Align-GVGD: "Class C0". The isoleucine amino acid residue is found in multiple mammalian species, which suggests that this missense change does not adversely affect protein function. In summary, the available evidence is currently insufficient to determine the role of this variant in disease. Therefore, it has been classified as a Variant of Uncertain Significance.